The following is an entry in ClinVar:

ClinVar aggregate classification (germline): Uncertain significance (1 of 4 stars; one submission).

Conditions:
KDM1A-related disorder. Also called: KDM1A-related condition.

Submission:

PreventionGenetics, part of Exact Sciences
Classification: Uncertain significance for KDM1A-related condition. Last evaluated: 2025-02-16. Review status: criteria provided, single submitter. Criteria: ACMG Guidelines, 2015. Collection method: clinical testing. Allele origin: germline.
Comment: The KDM1A c.2561delT variant is predicted to result in a frameshift and premature protein termination (p.Leu854Trpfs*29). XXXXXXXXXXXXXXXXXXXXXXX which is predicted to result in a frameshift and elongation of the protein (p.Leu854Trpfs*29). To our knowledge, this variant has not been reported in the literature or in a large population database (gnomAD), indicating this variant is rare. At this time, loss-of-function variants are not a well-established cause of disease and therefore the clinical significance of this variant is uncertain.

NM_001009999.3(KDM1A):c.2561del (p.Leu854fs)

Gene: KDM1A (lysine demethylase 1A; plus strand). Cytogenetic location: 1p36.12.
Variant type: Deletion.
Coding change: c.2561del on transcript NM_001009999.3 (MANE Select); coding-DNA position 2561, one base deleted (T; older notation c.2561delT).
Protein change: p.Leu854fs; shifts the reading frame from leucine 854.
Molecular consequence: frameshift variant. On other transcripts: 3 prime UTR variant (1).
Genome position (GRCh38, 1-based): chr1:23,083,294, T deleted; the last of 5 consecutive T bases (chr1:23,083,290-23,083,294); deleting any one gives the same sequence. VCF-style (leftmost placement, unchanged base first): chr1-23083289-GT-G. GRCh37 (hg19) VCF-style: chr1-23409782-GT-G.
Other names: c.2507del, p.Leu836fs (NM_001363654.2); c.2567del, p.Leu856fs (NM_001410762.1); c.*809del (NM_001410763.1); c.2489del, p.Leu830fs (NM_015013.4); short protein forms L854fs, L836fs, L830fs, L856fs.
Identifiers: ClinVar variation 4997248 (VCV004997248.1).